The following is an entry in ClinVar:

NM_000535.7(PMS2):c.1399G>T (p.Val467Phe)

Gene: PMS2 (PMS1 homolog 2, mismatch repair system component; minus strand). Cytogenetic location: 7p22.1.
Variant type: single nucleotide variant.
Coding change: c.1399G>T on transcript NM_000535.7 (MANE Select); coding-DNA position 1399, G replaced by T.
Protein change: p.Val467Phe; replaces valine 467 with phenylalanine.
Molecular consequence: missense variant. On other transcripts: non-coding transcript variant (1), intron variant (1).
Genome position (GRCh38, 1-based): chr7:5,987,366, C>A on the plus strand (G>T on the coding strand, the complement: PMS2 is on the minus strand). VCF-style: chr7-5987366-C-A. GRCh37 (hg19) VCF-style: chr7-6026997-C-A.
Other names: c.994G>T, p.Val332Phe (NM_001322003.2, NM_001322004.2, NM_001322005.2 and 16 more transcripts); c.1243G>T, p.Val415Phe (NM_001322006.2, NM_001406870.1); c.1081G>T, p.Val361Phe (NM_001322007.2, NM_001322008.2, NM_001406903.1 and 2 more transcripts); c.838G>T, p.Val280Phe (NM_001322010.2, NM_001406906.1, NM_001406907.1); c.934G>T, p.Val312Phe (NM_001406900.1); c.925G>T, p.Val309Phe (NM_001406901.1, NM_001406902.1); c.886G>T, p.Val296Phe (NM_001406904.1, NM_001406905.1); c.826G>T, p.Val276Phe (NM_001406909.1, NM_001322013.2); and 13 more; short protein forms V280F, V309F, V361F, V210F, V312F, V332F, V345F, V359F.
Identifiers: ClinVar variation 3660852 (VCV003660852.2).

ClinVar aggregate classification (germline): Uncertain significance (1 of 4 stars; one submission).

Conditions:
Hereditary nonpolyposis colorectal neoplasms. Identifiers: MedGen C0009405, MeSH D003123.

Submission:

Labcorp Genetics (formerly Invitae), Labcorp
Classification: Uncertain significance for Hereditary nonpolyposis colorectal neoplasms. Last evaluated: 2024-10-19. Review status: criteria provided, single submitter. Criteria: Invitae Variant Classification Sherloc (09022015). Collection method: clinical testing. Allele origin: germline.
Comment: This sequence change replaces valine, which is neutral and non-polar, with phenylalanine, which is neutral and non-polar, at codon 467 of the PMS2 protein (p.Val467Phe). This variant is not present in population databases (gnomAD no frequency). This variant has not been reported in the literature in individuals affected with PMS2-related conditions. Invitae Evidence Modeling incorporating data from in vitro experimental studies (internal data) indicates that this missense variant is not expected to disrupt PMS2 function with a negative predictive value of 95%. In summary, the available evidence is currently insufficient to determine the role of this variant in disease. Therefore, it has been classified as a Variant of Uncertain Significance.